The following is an entry in ClinVar:

ClinVar aggregate classification (germline): Pathogenic (1 of 4 stars; one submission).

Conditions:
Joubert syndrome. Also called: CEREBELLOPARENCHYMAL DISORDER IV; JOUBERT-BOLTSHAUSER SYNDROME; Familial aplasia of the vermis. Identifiers: Orphanet 475, MedGen C5979921, MONDO:0018772.
Nephronophthisis. Also called: Juvenile Nephronophthisis. Identifiers: Orphanet 655, MedGen C0687120, MONDO:0019005, HP:0000090.
Meckel-Gruber syndrome. Also called: DYSENCEPHALIA SPLANCHNOCYSTICA; GRUBER SYNDROME; Dysencephalia splachnocystica. Identifiers: Orphanet 564, MedGen C0265215, MONDO:0018921.

Submission:

Labcorp Genetics (formerly Invitae), Labcorp
Classification: Pathogenic for Joubert syndrome; Meckel-Gruber syndrome; Nephronophthisis. Last evaluated: 2022-04-16. Review status: criteria provided, single submitter. Criteria: Invitae Variant Classification Sherloc (09022015). Collection method: clinical testing. Allele origin: germline.
Comment: For these reasons, this variant has been classified as Pathogenic. This variant has not been reported in the literature in individuals affected with CEP290-related conditions. This variant is not present in population databases (gnomAD no frequency). This sequence change creates a premature translational stop signal (p.Arg2057Asnfs*9) in the CEP290 gene. It is expected to result in an absent or disrupted protein product. Loss-of-function variants in CEP290 are known to be pathogenic (PMID: 16909394, 17345604, 20690115).

Literature cited by the submitters: PubMed 16909394; PubMed 17345604; PubMed 20690115.

NM_025114.4(CEP290):c.6170_6173del (p.Arg2057fs)

Gene: CEP290 (centrosomal protein 290; minus strand). Cytogenetic location: 12q21.32.
Variant type: Microsatellite.
Coding change: c.6170_6173del on transcript NM_025114.4 (MANE Select); coding-DNA positions 6170 to 6173, 4 bases deleted (GAGA; older notation c.6170_6173delGAGA).
Protein change: p.Arg2057fs; shifts the reading frame from arginine 2057.
Molecular consequence: frameshift variant.
Genome position (GRCh38, 1-based): chr12:88,064,078-88,064,081, TCTC deleted on the plus strand (GAGA on the coding strand, the reverse complement: CEP290 is on the minus strand); deleting any 4 consecutive bases within chr12:88,064,078-88,064,084 gives the same sequence; the c. name uses the placement nearest the transcript's 3' end. VCF-style (leftmost placement, unchanged base first): chr12-88064077-TTCTC-T. GRCh37 (hg19) VCF-style: chr12-88457854-TTCTC-T.
Other names: short protein forms R2057fs.
Identifiers: ClinVar variation 2127042 (VCV002127042.4), dbSNP rs2499619686, ClinGen allele CA2580616853.
Genomic context (GRCh38, chr12:88,064,077, plus strand): 5'-CTGAAATTTCAGTTCAATATTTTCAGATGACAACTTCAAGTTTTCCTTCTGAAGCTCCTG[TTCTC>T]TCTGACAATGATCATCTGACTCTATTCCTGAAATCTTCAGGGAAATGAAATTAGGAATAT-3'